The following is an entry in ClinVar:

NM_000093.5(COL5A1):c.3303C>A (p.Ile1101=)

Gene: COL5A1 (collagen type V alpha 1 chain; plus strand). Cytogenetic location: 9q34.3.
Variant type: single nucleotide variant.
Coding change: c.3303C>A on transcript NM_000093.5 (MANE Select); coding-DNA position 3303, C replaced by A.
Protein change: p.Ile1101=; no amino-acid change (isoleucine 1101 retained).
Molecular consequence: synonymous variant.
Genome position (GRCh38, 1-based): chr9:134,806,233, C>A. VCF-style: chr9-134806233-C-A. GRCh37 (hg19) VCF-style: chr9-137698079-C-A.
Other names: c.3303C>A, p.Ile1101= (NM_001278074.1).
Identifiers: ClinVar variation 515455 (VCV000515455.31), dbSNP rs760754491, ClinGen allele CA5319829.
Genomic context (GRCh38, chr9:134,806,233, plus strand): 5'-TCTTGCTCCACCTCAGGGATCTCCAGGGGAGAGAGGTCCAGCTGGAGCCGCTGGGCCCAT[C>A]GGAATTCCAGGGAGACCTGGGCCCCAGGGACCCCCAGGGCCGGCAGGAGAGAAAGGGGCT-3'
Protein context (NP_000084.3, residues 1091-1111): ERGPAGAAGP[Ile1101=]GIPGRPGPQG

ClinVar aggregate classification (germline): Likely benign. Review status: criteria provided, multiple submitters, no conflicts (2 of 4 stars). 3 submissions from 3 submitters: Likely benign (3). Last evaluated 2024-03-01.

Conditions:
Ehlers-Danlos syndrome, classic type, 1 (EDSCL1). Also called: Ehlers-Danlos Syndrome, Classic Type, COL5A1-Related; EDS I; Ehlers-Danlos syndrome, type 1; EHLERS-DANLOS SYNDROME, GRAVIS TYPE; EHLERS-DANLOS SYNDROME, SEVERE CLASSIC TYPE. Identifiers: MedGen C0268335, MONDO:0019567, OMIM 130000.

gnomAD v4.1: 8 of 1,550,508 alleles (0.00052%); highest among the groups gnomAD compares: Middle Eastern, 0.089%; no homozygotes.

Submissions (3):

CeGaT Center for Human Genetics Tuebingen
Classification: Likely benign. Last evaluated: 2024-03-01. Review status: criteria provided, single submitter. Criteria: CeGaT Center For Human Genetics Tuebingen Variant Classification Criteria Version 2. Collection method: clinical testing. Allele origin: germline. Affected: yes. Observed: 1 variant allele.
Comment: COL5A1: BP4, BP7

Labcorp Genetics (formerly Invitae), Labcorp
Classification: Likely benign for Ehlers-Danlos syndrome, classic type, 1. Last evaluated: 2024-01-08. Review status: criteria provided, single submitter. Criteria: Invitae Variant Classification Sherloc (09022015). Collection method: clinical testing. Allele origin: germline.

GeneDx
Classification: Likely benign. Last evaluated: 2018-02-09. Review status: criteria provided, single submitter. Criteria: GeneDx Variant Classification (06012015). Collection method: clinical testing. Allele origin: germline. Affected: yes.
Comment: This variant is considered likely benign or benign based on one or more of the following criteria: it is a conservative change, it occurs at a poorly conserved position in the protein, it is predicted to be benign by multiple in silico algorithms, and/or has population frequency not consistent with disease.